The following is an entry in ClinVar:

NM_003334.4(UBA1):c.3048A>C (p.Thr1016=)

Gene: UBA1 (ubiquitin like modifier activating enzyme 1; plus strand). Cytogenetic location: Xp11.3.
Variant type: single nucleotide variant.
Coding change: c.3048A>C on transcript NM_003334.4 (MANE Select); coding-DNA position 3048, A replaced by C.
Protein change: p.Thr1016=; no amino-acid change (threonine 1016 retained).
Molecular consequence: synonymous variant.
Genome position (GRCh38, 1-based): chrX:47,214,800, A>C. VCF-style: chrX-47214800-A-C. GRCh37 (hg19) VCF-style: chrX-47074199-A-C.
Other names: c.3048A>C, p.Thr1016= (NM_153280.3).
Identifiers: ClinVar variation 2660409 (VCV002660409.24), dbSNP rs2521696975, ClinGen allele CA515990068.

ClinVar aggregate classification (germline): Likely benign (1 of 4 stars; one submission).

Submission:

CeGaT Center for Human Genetics Tuebingen
Classification: Likely benign. Last evaluated: 2024-04-01. Review status: criteria provided, single submitter. Criteria: CeGaT Center For Human Genetics Tuebingen Variant Classification Criteria Version 2. Collection method: clinical testing. Allele origin: germline. Affected: yes. Observed: 2 variant alleles.
Comment: UBA1: PM2:Supporting, BP4, BP7